The following is an entry in ClinVar:

NM_000202.8(IDS):c.410T>C (p.Phe137Ser)

Gene: IDS (iduronate 2-sulfatase; minus strand). Cytogenetic location: Xq28.
Variant type: single nucleotide variant.
Coding change: c.410T>C on transcript NM_000202.8 (MANE Select); coding-DNA position 410, T replaced by C.
Protein change: p.Phe137Ser; replaces phenylalanine 137 with serine.
Molecular consequence: missense variant. On other transcripts: non-coding transcript variant (1).
Genome position (GRCh38, 1-based): chrX:149,503,320, A>G on the plus strand (T>C on the coding strand, the complement: IDS is on the minus strand). VCF-style: chrX-149503320-A-G. GRCh37 (hg19) VCF-style: chrX-148584850-A-G.
Other names: c.140T>C, p.Phe47Ser (NM_001166550.4); c.410T>C, p.Phe137Ser (NM_006123.5); short protein forms F137S, F47S.
Identifiers: ClinVar variation 3255703 (VCV003255703.2).

ClinVar aggregate classification (germline): Pathogenic (1 of 4 stars; one submission).

Conditions:
Mucopolysaccharidosis, MPS-II (MPS2). Also called: Hunter Syndrome; IDURONATE 2-SULFATASE DEFICIENCY; Mucopolysaccharidosis Type II; Mucopolysaccharidosis type 2; Attenuated MPS (subtype; formerly known as mild MPS II); Severe MPS II. Identifiers: Orphanet 580, Orphanet 79388, MedGen C0026705, MONDO:0010674, OMIM 309900.

Submission:

Laboratory of Diagnosis and Therapy of Lysosomal Disorders, University of Padova
Classification: Pathogenic for Mucopolysaccharidosis, MPS-II. Last evaluated: 2024-06-07. Review status: criteria provided, single submitter. Criteria: ACMG Guidelines, 2015. Collection method: literature only. Allele origin: germline. Affected: yes. Observed: 2 variant alleles.
Comment: In vitro or in vivo functional studies supportive of a damaging effect (PS3_Moderate), Absent from controls (or at low frequency) in gnomAD database (PM2_Moderate), Missense variant in a gene with a low rate of benign missense variation (PP2_Supporting), Multiple lines of computational evidence support a deleterious effect (PP3_Supporting), Patient’s phenotype or family history highly specific for the disease (PP4_Strong)

Classification method: ACMG Guidelines [PMID:25741868] with modifications

Literature cited by the submitters: PubMed 28543354.